The following is an entry in ClinVar:

NM_022132.5(MCCC2):c.*970G>A

Gene: MCCC2 (methylcrotonyl-CoA carboxylase subunit 2; plus strand). Cytogenetic location: 5q13.2.
Variant type: single nucleotide variant.
Coding change: c.*970G>A on transcript NM_022132.5 (MANE Select); 970 bases downstream of the stop codon, G replaced by A.
Molecular consequence: 3 prime UTR variant.
Genome position (GRCh38, 1-based): chr5:71,657,830, G>A. VCF-style: chr5-71657830-G-A. GRCh37 (hg19) VCF-style: chr5-70953657-G-A.
Other names: c.*970G>A (NM_001363147.1).
Identifiers: ClinVar variation 903791 (VCV000903791.4), dbSNP rs368250327, ClinGen allele CA120009391.
Genomic context (GRCh38, chr5:71,657,830, plus strand): 5'-TTATTCTTGCTGGGCCATTTCAGCCCCTGTCATGGCTTCACTCGCCATCTAAATGCAGAT[G>A]ATTACTGCCTTGACGGTTCTTAACCCAGCTCTCCCCTGAGCTGCAGGCCTGCATATCCAG-3'

ClinVar aggregate classification (germline): Likely benign (1 of 4 stars; one submission).

Conditions:
3-methylcrotonyl-CoA carboxylase 2 deficiency. Also called: 3 alpha methylcrotonyl-CoA carboxylase 2 deficiency; 3 alpha methylcrotonylglycinuria 2; MCC 2 deficiency; Methylcrotonylglycinuria type 2; METHYLCROTONYLGLYCINURIA, TYPE II. Identifiers: Orphanet 6, MedGen C1859499, MONDO:0008862, OMIM 210210.

Allele frequency attached by ClinVar (database versions not stated): TOPMed 0.00005; 1000 Genomes Project 30x 0.00375; 1000 Genomes Project 0.00399.

Submission:

Illumina Laboratory Services, Illumina
Classification: Likely benign for 3-methylcrotonyl-CoA carboxylase 2 deficiency. Last evaluated: 2018-01-13. Review status: criteria provided, single submitter. Criteria: ICSL Variant Classification Criteria 13 December 2019. Collection method: clinical testing. Allele origin: germline.
Comment: This variant was observed in the ICSL laboratory as part of a predisposition screen in an ostensibly healthy population. It had not been previously curated by ICSL or reported in the Human Gene Mutation Database (HGMD: prior to June 1st, 2018), and was therefore a candidate for classification through an automated scoring system. Utilizing variant allele frequency, disease prevalence and penetrance estimates, and inheritance mode, an automated score was calculated to assess if this variant is too frequent to cause the disease. Based on the score and internal cut-off values, a variant classified as likely benign is not then subjected to further curation. The score for this variant resulted in a classification of likely benign for this disease.